The following is an entry in ClinVar:

NM_000062.3(SERPING1):c.551-1G>C

Gene: SERPING1 (serpin family G member 1; plus strand). Cytogenetic location: 11q12.1.
Variant type: single nucleotide variant.
Coding change: c.551-1G>C on transcript NM_000062.3 (MANE Select); the canonical splice acceptor site of the intron before coding-DNA position 551, G replaced by C.
Molecular consequence: splice acceptor variant.
Genome position (GRCh38, 1-based): chr11:57,602,034, G>C. VCF-style: chr11-57602034-G-C. GRCh37 (hg19) VCF-style: chr11-57369507-G-C.
Other names: c.551-1G>C (NM_001032295.2).
Identifiers: ClinVar variation 1382465 (VCV001382465.8), dbSNP rs2135311222, ClinGen allele CA380696630.

ClinVar aggregate classification (germline): Pathogenic/Likely pathogenic. Review status: criteria provided, multiple submitters, no conflicts (2 of 4 stars). 2 submissions from 2 submitters: Pathogenic (1); Likely pathogenic (1). Last evaluated 2024-08-09.

Conditions:
Hereditary angioedema type 1 (HAE1). Identifiers: Orphanet 100050, Orphanet 100051, Orphanet 91378, MedGen C2717906, MONDO:0015053, OMIM 106100.

Submissions (2):

DNA-diagnostics Laboratory, Research Centre For Medical Genetics
Classification: Likely pathogenic for Hereditary angioedema type 1. Last evaluated: 2024-08-09. Review status: criteria provided, single submitter. Criteria: ACMG Guidelines, 2015. Collection method: research. Allele origin: germline. Inheritance: Autosomal dominant inheritance. Affected: yes. Observed: 2 variant alleles, 2 heterozygotes. Clinical features observed: Angioedema (HP:0100665), C1 esterase inhibitor deficiency.
Comment: According to our observation the c.551-1G>C variant in SERPING1 meets ACMG/ClinGen SVI guidance criteria to be classified as likely pathogenic: PP4_Str, PVS1_Mod, PS1_Sup, PM2_Sup, PP1

Labcorp Genetics (formerly Invitae), Labcorp
Classification: Pathogenic. Last evaluated: 2021-09-18. Review status: criteria provided, single submitter. Criteria: Invitae Variant Classification Sherloc (09022015). Collection method: clinical testing. Allele origin: germline.
Comment: This sequence change affects an acceptor splice site in intron 3 of the SERPING1 gene. It is expected to disrupt RNA splicing. Variants that disrupt the donor or acceptor splice site typically lead to a loss of protein function (PMID: 16199547), and loss-of-function variants in SERPING1 are known to be pathogenic (PMID: 11112899, 24456027). This variant is not present in population databases (ExAC no frequency). For these reasons, this variant has been classified as Pathogenic. Algorithms developed to predict the effect of sequence changes on RNA splicing suggest that this variant may disrupt the consensus splice site. Disruption of this splice site has been observed in individuals with hereditary angioedema (PMID: 25258140; Invitae).

Literature cited by the submitters: PubMed 16199547 (cited by Labcorp Genetics (formerly Invitae), Labcorp); PubMed 11112899 (cited by Labcorp Genetics (formerly Invitae), Labcorp); PubMed 24456027 (cited by Labcorp Genetics (formerly Invitae), Labcorp); PubMed 25258140 (cited by Labcorp Genetics (formerly Invitae), Labcorp).